The following is an entry in ClinVar:

NM_001903.5(CTNNA1):c.292C>T (p.Arg98Ter)

Gene: CTNNA1 (catenin alpha 1; plus strand). Cytogenetic location: 5q31.2.
Variant type: single nucleotide variant.
Coding change: c.292C>T on transcript NM_001903.5 (MANE Select); coding-DNA position 292, C replaced by T.
Protein change: p.Arg98Ter; replaces arginine 98 with a stop codon.
Molecular consequence: nonsense. On other transcripts: intron variant (2).
Genome position (GRCh38, 1-based): chr5:138,783,363, C>T. VCF-style: chr5-138783363-C-T. GRCh37 (hg19) VCF-style: chr5-138119052-C-T.
Other names: c.292C>T, p.Arg98Ter (NM_001290307.3, NM_001323982.2, NM_001323983.1 and 3 more transcripts); c.-6+91C>T (NM_001290310.3); c.-9+1334C>T (NM_001290309.3); short protein forms R98*.
Identifiers: ClinVar variation 1051089 (VCV001051089.11), dbSNP rs773235871, ClinGen allele CA361477702.

ClinVar aggregate classification (germline): Pathogenic. Review status: criteria provided, multiple submitters, no conflicts (2 of 4 stars). 3 submissions from 3 submitters: Pathogenic (3). Last evaluated 2025-10-13.

Conditions:
Hereditary diffuse gastric adenocarcinoma (HDGC). Also called: DIFFUSE GASTRIC AND LOBULAR BREAST CANCER SYNDROME. Identifiers: Orphanet 26106, MedGen C1708349, MONDO:0007648, OMIM 137215.
Hereditary cancer-predisposing syndrome. Also called: Hereditary Cancer Syndrome; Tumor predisposition; Hereditary neoplastic syndrome; Neoplastic Syndromes, Hereditary. Identifiers: Orphanet 140162, MedGen C0027672, MeSH D009386, MONDO:0015356.

gnomAD v4.1: 1 of 1,612,358 alleles (0.000062%); highest among the groups gnomAD compares: Non-Finnish European, 0.000085%; no homozygotes.

Submissions (3):

Labcorp Genetics (formerly Invitae), Labcorp
Classification: Pathogenic. Last evaluated: 2025-10-13. Review status: criteria provided, single submitter. Criteria: Invitae Variant Classification Sherloc (09022015). Collection method: clinical testing. Allele origin: germline.
Comment: This sequence change creates a premature translational stop signal (p.Arg98*) in the CTNNA1 gene. It is expected to result in an absent or disrupted protein product. Loss-of-function variants in CTNNA1 are known to be pathogenic (PMID: 32051609, 34425242). This variant is not present in population databases (gnomAD no frequency). This variant has not been reported in the literature in individuals affected with CTNNA1-related conditions. ClinVar contains an entry for this variant (Variation ID: 1051089). For these reasons, this variant has been classified as Pathogenic.

Ambry Genetics
Classification: Pathogenic for Hereditary cancer-predisposing syndrome. Last evaluated: 2025-05-30. Review status: criteria provided, single submitter. Criteria: Ambry Variant Classification Scheme 2023. Collection method: clinical testing. Allele origin: germline.
Comment: The p.R98* variant (also known as c.292C>T), located in coding exon 2 of the CTNNA1 gene, results from a C to T substitution at nucleotide position 292. This changes the amino acid from an arginine to a stop codon within coding exon 2. This alteration is expected to result in loss of function by premature protein truncation or nonsense-mediated mRNA decay. As such, this alteration is interpreted as a disease-causing mutation.

Myriad Genetics, Inc.
Classification: Pathogenic for Hereditary diffuse gastric adenocarcinoma. Last evaluated: 2023-01-17. Review status: criteria provided, single submitter. Criteria: Myriad Autosomal Dominant, Autosomal Recessive and X-Linked Classification Criteria (2023). Collection method: clinical testing. Allele origin: unknown.
Comment: This variant is considered pathogenic. This variant creates a termination codon and is predicted to result in premature protein truncation.

Literature cited by the submitters: PubMed 32051609 (cited by Labcorp Genetics (formerly Invitae), Labcorp); PubMed 34425242 (cited by Labcorp Genetics (formerly Invitae), Labcorp).